The following is an entry in ClinVar:

ClinVar aggregate classification (germline): Uncertain significance (1 of 4 stars; one submission).

Conditions:
Hereditary cancer-predisposing syndrome. Also called: Hereditary Cancer Syndrome; Neoplastic Syndromes, Hereditary; Tumor predisposition; Hereditary neoplastic syndrome. Identifiers: Orphanet 140162, MedGen C0027672, MeSH D009386, MONDO:0015356.

gnomAD v4.1: 2 of 1,594,780 alleles (0.00013%); highest among the groups gnomAD compares: Non-Finnish European, 0.00017%; no homozygotes.

Submission:

Ambry Genetics
Classification: Uncertain significance for Hereditary cancer-predisposing syndrome. Last evaluated: 2025-10-28. Review status: criteria provided, single submitter. Criteria: Ambry Variant Classification Scheme 2023. Collection method: clinical testing. Allele origin: germline.
Comment: The p.S1990N variant (also known as c.5969G>A), located in coding exon 39 of the ATM gene, results from a G to A substitution at nucleotide position 5969. The serine at codon 1990 is replaced by asparagine, an amino acid with highly similar properties. This amino acid position is conserved. In addition, this alteration is predicted to be tolerated by in silico analysis. Based on the available evidence, the clinical significance of this variant remains unclear.

NM_000051.4(ATM):c.5969G>A (p.Ser1990Asn)

Genes: ATM (ATM serine/threonine kinase; plus strand), C11orf65 (chromosome 11 open reading frame 65; minus strand). Cytogenetic location: 11q22.3.
Variant type: single nucleotide variant.
Coding change: c.5969G>A on transcript NM_000051.4 (MANE Select); coding-DNA position 5969, G replaced by A.
Protein change: p.Ser1990Asn; replaces serine 1990 with asparagine.
Molecular consequence: missense variant. On other transcripts: intron variant (2).
Genome position (GRCh38, 1-based): chr11:108,312,461, G>A. VCF-style: chr11-108312461-G-A. GRCh37 (hg19) VCF-style: chr11-108183188-G-A.
Other names: c.5969G>A, p.Ser1990Asn (NM_001351834.2); c.641-3390C>T (NM_001330368.2); c.*39-3390C>T (NM_001351110.2); short protein forms S1990N.
Identifiers: ClinVar variation 4618068 (VCV004618068.1).
Genomic context (GRCh38, chr11:108,312,461, plus strand): 5'-TGACAAACAGAAGTCTTGCATTTGAAGAAGGAAGCCAGAGTACAACTATTTCTAGCTTGA[G>A]TGAAAAAAGTAAAGAAGAAACTGGAATAAGTTTACAGGTAAATATTAGAGGCTCTATTAT-3'
Protein context (NP_000042.3, residues 1980-2000): GSQSTTISSL[Ser1990Asn]EKSKEETGIS